The following is an entry in ClinVar:

ClinVar aggregate classification (germline): Uncertain significance (1 of 4 stars; one submission).

Allele frequency attached by ClinVar (database versions not stated): gnomAD exomes below 0.00001.
gnomAD v4.1: 1 of 1,614,034 alleles (0.000062%); highest among the groups gnomAD compares: Admixed American, 0.0017%; no homozygotes.

Submission:

Labcorp Genetics (formerly Invitae), Labcorp
Classification: Uncertain significance. Last evaluated: 2022-07-29. Review status: criteria provided, single submitter. Criteria: Invitae Variant Classification Sherloc (09022015). Collection method: clinical testing. Allele origin: germline.
Comment: This variant is present in population databases (no rsID available, gnomAD 0.003%). This sequence change replaces proline, which is neutral and non-polar, with serine, which is neutral and polar, at codon 562 of the AUTS2 protein (p.Pro562Ser). This variant has not been reported in the literature in individuals affected with AUTS2-related conditions. In summary, the available evidence is currently insufficient to determine the role of this variant in disease. Therefore, it has been classified as a Variant of Uncertain Significance. Algorithms developed to predict the effect of missense changes on protein structure and function (SIFT, PolyPhen-2, Align-GVGD) all suggest that this variant is likely to be tolerated.

NM_015570.4(AUTS2):c.1684C>T (p.Pro562Ser)

Gene: AUTS2 (activator of transcription and developmental regulator AUTS2; plus strand). Cytogenetic location: 7q11.22.
Variant type: single nucleotide variant.
Coding change: c.1684C>T on transcript NM_015570.4 (MANE Select); coding-DNA position 1684, C replaced by T.
Protein change: p.Pro562Ser; replaces proline 562 with serine.
Molecular consequence: missense variant.
Genome position (GRCh38, 1-based): chr7:70,766,329, C>T. VCF-style: chr7-70766329-C-T. GRCh37 (hg19) VCF-style: chr7-70231315-C-T.
Other names: c.1684C>T, p.Pro562Ser (NM_001127231.3); short protein forms P562S.
Identifiers: ClinVar variation 1998193 (VCV001998193.4), dbSNP rs1335201756, ClinGen allele CA367669114.
Genomic context (GRCh38, chr7:70,766,329, plus strand): 5'-ACCTTCACGCCGTTCCCCCACGCCATCCCACCCACCGCCATCATGCCGACGCCAGCACCT[C>T]CCATGGTGCGTACCCCAGGCAGAAATGTGAGGATAAGTAGAGCACGACTCTTTTCTTTAT-3'
Protein context (NP_056385.1, residues 552-572): PTAIMPTPAP[Pro562Ser]MFDKYPTKVD